The following is an entry in ClinVar:

ClinVar aggregate classification (germline): Uncertain significance (1 of 4 stars; one submission).

Submission:

Greenwood Genetic Center Diagnostic Laboratories, Greenwood Genetic Center
Classification: Uncertain significance. Last evaluated: 2023-05-19. Review status: criteria provided, single submitter. Criteria: ACMG Guidelines, 2015. Collection method: clinical testing. Allele origin: germline. Affected: yes.
Comment: PM2

NM_001042681.2(RERE):c.326-3A>T

Gene: RERE (arginine-glutamic acid dipeptide repeats; minus strand). Cytogenetic location: 1p36.23.
Variant type: single nucleotide variant.
Coding change: c.326-3A>T on transcript NM_001042681.2 (MANE Select); 3 bases into the intron before coding-DNA position 326, A replaced by T.
Molecular consequence: intron variant.
Genome position (GRCh38, 1-based): chr1:8,624,383, T>A on the plus strand (A>T on the coding strand, the complement: RERE is on the minus strand). VCF-style: chr1-8624383-T-A. GRCh37 (hg19) VCF-style: chr1-8684442-T-A.
Other names: c.326-3A>T (NM_012102.4).
Identifiers: ClinVar variation 2572232 (VCV002572232.1), dbSNP rs2522508853, ClinGen allele CA2580612916.
Genomic context (GRCh38, chr1:8,624,383, plus strand): 5'-TGAATGCTACAGATGAAATACGGTGTGTTTGGCCTCCGACTCTCGATATACACACAGTCT[T>A]TAAAAGAAAAAGAAATTTTAAAACAATGGCATTTACCTTTAAGGAACAAAGACAGGGCCC-3'